The following is an entry in ClinVar:

NM_001017922.2(ERMAP):c.76C>T (p.His26Tyr)

Gene: ERMAP (erythroblast membrane associated protein (Scianna blood group); plus strand). Cytogenetic location: 1p34.2.
Variant type: single nucleotide variant.
Coding change: c.76C>T on transcript NM_001017922.2 (MANE Select); coding-DNA position 76, C replaced by T.
Protein change: p.His26Tyr; replaces histidine 26 with tyrosine.
Molecular consequence: missense variant.
Genome position (GRCh38, 1-based): chr1:42,830,524, C>T. VCF-style: chr1-42830524-C-T. GRCh37 (hg19) VCF-style: chr1-43296195-C-T.
Other names: c.76C>T, p.His26Tyr (NM_018538.4); short protein forms H26Y.
Identifiers: ClinVar variation 3060859 (VCV003060859.2), dbSNP rs33953680, ClinGen allele CA802668.

ClinVar aggregate classification (germline): Benign (0 of 4 stars; one submission).

Conditions:
ERMAP-related disorder. Also called: ERMAP-related condition.

Allele frequency attached by ClinVar (database versions not stated): TOPMed 0.19639; ESP Exome Variant Server 0.20744; 1000 Genomes Project 0.14237; 1000 Genomes Project 30x 0.14600; gnomAD 0.21167; ExAC 0.24143; gnomAD exomes 0.26657.
gnomAD v4.1: 419,719 of 1,612,082 alleles (26%); highest among the groups gnomAD compares: Non-Finnish European, 28%; 58,849 homozygotes.

Submission:

PreventionGenetics, part of Exact Sciences
Classification: Benign for ERMAP-related condition. Last evaluated: 2019-10-21. Review status: no assertion criteria provided. Collection method: clinical testing. Allele origin: germline.
Comment: This variant is classified as benign based on ACMG/AMP sequence variant interpretation guidelines (Richards et al. 2015 PMID: 25741868, with internal and published modifications).